The following is an entry in ClinVar:

NM_000135.4(FANCA):c.2778+83C>T

Gene: FANCA (FA complementation group A; minus strand). Cytogenetic location: 16q24.3.
Variant type: single nucleotide variant.
Coding change: c.2778+83C>T on transcript NM_000135.4 (MANE Select); 83 bases into the intron after coding-DNA position 2778, C replaced by T.
Molecular consequence: intron variant.
Genome position (GRCh38, 1-based): chr16:89,764,807, G>A on the plus strand (C>T on the coding strand, the complement: FANCA is on the minus strand). VCF-style: chr16-89764807-G-A. GRCh37 (hg19) VCF-style: chr16-89831215-G-A.
Other names: c.2778+83C>T (NM_001286167.3).
Identifiers: ClinVar variation 1089359 (VCV001089359.11), dbSNP rs750997715, ClinGen allele CA8251547.
Genomic context (GRCh38, chr16:89,764,807, plus strand): 5'-GCACACACACACCCTAGACTCGGGACGTGGCATGATGCAGGGGAAGGAACGGTCACCTAC[G>A]TGCTGCTGTTCTTGCCCGAGGAGCACACACAAACCCTAGACTCAGGACGTGGCATGATGC-3'

ClinVar aggregate classification (germline): Conflicting classifications of pathogenicity. Review status: criteria provided, conflicting classifications (1 of 4 stars). 3 submissions from 3 submitters: Uncertain significance (1); Likely benign (2). Last evaluated 2026-01-17.

Conditions:
Fanconi anemia (FA). Also called: Fanconi's anemia. Identifiers: Orphanet 84, MedGen C0015625, MeSH D005199, MONDO:0019391.

Allele frequency attached by ClinVar (database versions not stated): gnomAD 0.00005 and 0.00006.
gnomAD v4.1: 58 of 1,490,038 alleles (0.0039%); highest among the groups gnomAD compares: Non-Finnish European, 0.0036%; no homozygotes.

Submissions (3):

Labcorp Genetics (formerly Invitae), Labcorp
Classification: Likely benign for Fanconi anemia. Last evaluated: 2026-01-17. Review status: criteria provided, single submitter. Criteria: Invitae Variant Classification Sherloc (09022015). Collection method: clinical testing. Allele origin: germline.

Blueprint Genetics
Classification: Likely benign. Last evaluated: 2024-11-08. Review status: criteria provided, single submitter. Criteria: ACMG Guidelines, 2015. Collection method: clinical testing. Allele origin: germline.

Sema4
Classification: Uncertain significance for Fanconi anemia. Last evaluated: 2022-03-09. Review status: criteria provided, single submitter. Criteria: Sema4 Curation Guidelines. Collection method: curation. Allele origin: germline.
Comment: The FANCA c.2778+83C>T variant has not been reported in the literature to our knowledge. This variant was observed in 7/25054 chromosomes in the Finnish population according to the Genome Aggregation Database (PMID: 32461654) and has been reported in ClinVar (Variation ID: 1089359). In silico tools suggest the variant does not affect normal splicing, though these predictions have not been confirmed by functional studies. The evidence is insufficient to meet ACMG/AMP criteria for classifying the variant as benign or pathogenic. Thus, the clinical significance of this variant is currently uncertain.